The following is an entry in ClinVar:

ClinVar aggregate classification (germline): Uncertain significance (1 of 4 stars; one submission).

Submission:

Labcorp Genetics (formerly Invitae), Labcorp
Classification: Uncertain significance. Last evaluated: 2024-08-29. Review status: criteria provided, single submitter. Criteria: Invitae Variant Classification Sherloc (09022015). Collection method: clinical testing. Allele origin: germline.
Comment: This sequence change replaces lysine, which is basic and polar, with arginine, which is basic and polar, at codon 25 of the SEC61A1 protein (p.Lys25Arg). This variant is not present in population databases (gnomAD no frequency). This variant has not been reported in the literature in individuals affected with SEC61A1-related conditions. An algorithm developed to predict the effect of missense changes on protein structure and function (PolyPhen-2) suggests that this variant is likely to be tolerated. In summary, the available evidence is currently insufficient to determine the role of this variant in disease. Therefore, it has been classified as a Variant of Uncertain Significance.

NM_013336.4(SEC61A1):c.74A>G (p.Lys25Arg)

Gene: SEC61A1 (SEC61 translocon subunit alpha 1; plus strand). Cytogenetic location: 3q21.3.
Variant type: single nucleotide variant.
Coding change: c.74A>G on transcript NM_013336.4 (MANE Select); coding-DNA position 74, A replaced by G.
Protein change: p.Lys25Arg; replaces lysine 25 with arginine.
Molecular consequence: missense variant. On other transcripts: intron variant (1).
Genome position (GRCh38, 1-based): chr3:128,052,901, A>G. VCF-style: chr3-128052901-A-G. GRCh37 (hg19) VCF-style: chr3-127771744-A-G.
Other names: c.92A>G, p.Lys31Arg (NM_001400328.1); c.-85+342A>G (NM_001400329.1); short protein forms K31R, K25R.
Identifiers: ClinVar variation 3663692 (VCV003663692.2).